The following is an entry in ClinVar:

ClinVar aggregate classification (germline): Likely benign. Review status: criteria provided, multiple submitters, no conflicts (2 of 4 stars). 6 submissions from 6 submitters: Likely benign (6). Last evaluated 2026-01-19.

Conditions:
Familial thoracic aortic aneurysm and aortic dissection (TAAD). Also called: Thoracic aortic aneurysms and dissections. Identifiers: Orphanet 91387, MedGen C4707243, MONDO:0019625.
Aortic aneurysm, familial thoracic 4 (AAT4). Also called: AORTIC ANEURYSM/AORTIC DISSECTION AND PATENT DUCTUS ARTERIOSUS. Identifiers: MedGen C1851504, MONDO:0007568, OMIM 132900.

Allele frequency attached by ClinVar (database versions not stated): ExAC 0.00002; gnomAD exomes 0.00004; TOPMed 0.00005; ESP Exome Variant Server 0.00008.
gnomAD v4.1: 126 of 1,613,982 alleles (0.0078%); highest among the groups gnomAD compares: Non-Finnish European, 0.01%; no homozygotes.

Submissions (6):

Labcorp Genetics (formerly Invitae), Labcorp
Classification: Likely benign for Aortic aneurysm, familial thoracic 4. Last evaluated: 2026-01-19. Review status: criteria provided, single submitter. Criteria: Invitae Variant Classification Sherloc (09022015). Collection method: clinical testing. Allele origin: germline.

All of Us Research Program, National Institutes of Health
Classification: Likely benign for Familial thoracic aortic aneurysm and aortic dissection. Last evaluated: 2023-12-13. Review status: criteria provided, single submitter. Criteria: ACMG Guidelines, 2015. Collection method: clinical testing. Allele origin: germline. Inheritance: Autosomal dominant inheritance. Observed: 14 variant alleles, 14 heterozygotes.
Comment: This study involves interpretation of variants in research participants for the purpose of population health screening. Participant phenotype was not available at the time of variant classification. Additional details can be found in publication PMID: 35346344, PMCID: PMC8962531

Blueprint Genetics
Classification: Likely benign. Last evaluated: 2023-09-05. Review status: criteria provided, single submitter. Criteria: ACMG Guidelines, 2015. Collection method: clinical testing. Allele origin: germline.

GeneDx
Classification: Likely benign. Last evaluated: 2020-11-04. Review status: criteria provided, single submitter. Criteria: GeneDx Variant Classification Process June 2021. Collection method: clinical testing. Allele origin: germline. Affected: yes.
Comment: Has not been previously published as pathogenic or benign to our knowledge

Color Diagnostics, LLC DBA Color Health
Classification: Likely benign for Familial thoracic aortic aneurysm and aortic dissection. Last evaluated: 2019-06-22. Review status: criteria provided, single submitter. Criteria: ACMG Guidelines, 2015. Collection method: clinical testing. Allele origin: germline.

Ambry Genetics
Classification: Likely benign for Familial thoracic aortic aneurysm and aortic dissection. Last evaluated: 2015-06-29. Review status: criteria provided, single submitter. Criteria: Ambry Variant Classification Scheme 2023. Collection method: clinical testing. Allele origin: germline.

NM_002474.3(MYH11):c.5742C>T (p.Asn1914=)

Genes: MYH11 (myosin heavy chain 11; minus strand), NDE1 (nudE neurodevelopment protein 1; plus strand). Cytogenetic location: 16p13.11.
Variant type: single nucleotide variant.
Coding change: c.5742C>T on transcript NM_002474.3 (MANE Select); coding-DNA position 5742, C replaced by T.
Protein change: p.Asn1914=; no amino-acid change (asparagine 1914 retained).
Molecular consequence: synonymous variant. On other transcripts: intron variant (2).
Genome position (GRCh38, 1-based): chr16:15,714,953, G>A on the plus strand (C>T on the coding strand, the complement: MYH11 is on the minus strand). VCF-style: chr16-15714953-G-A. GRCh37 (hg19) VCF-style: chr16-15808810-G-A.
Other names: c.5763C>T, p.Asn1921= (NM_001040113.2, NM_001040114.2); c.5742C>T, p.Asn1914= (NM_022844.3); c.948-9238G>A (NM_001143979.2, NM_017668.3).
Identifiers: ClinVar variation 264107 (VCV000264107.20), dbSNP rs146391904, ClinGen allele CA7921153.